The following is an entry in ClinVar:

ClinVar aggregate classification (germline): Pathogenic. Review status: reviewed by expert panel (3 of 4 stars). 5 submissions from 5 submitters: Pathogenic (1). 4 of the submissions do not count toward it. Last evaluated 2016-04-22.

Conditions:
Hereditary breast ovarian cancer syndrome. Also called: Hereditary breast and ovarian cancer syndrome; Hereditary breast and ovarian cancer; Hereditary breast and ovarian cancer syndrome (HBOC); Breast and ovarian cancer; Hereditary breast and/or ovarian cancer syndrome; BRCA1- and BRCA2-Associated Hereditary Breast and Ovarian Cancer. Identifiers: Orphanet 145, MedGen C0677776, MeSH D061325, MONDO:0003582. Disease mechanism: loss of function.
Breast-ovarian cancer, familial, susceptibility to, 2 (BROVCA2). Also called: BRCA2 Hereditary Breast and Ovarian Cancer. Identifiers: Orphanet 145, MedGen C2675520, MONDO:0012933, OMIM 612555. Disease mechanism: loss of function.

Submissions (5):

Evidence-based Network for the Interpretation of Germline Mutant Alleles (ENIGMA)
Classification: Pathogenic for Breast-ovarian cancer, familial, susceptibility to, 2. Last evaluated: 2016-04-22. Review status: reviewed by expert panel. Criteria: ENIGMA BRCA1/2 Classification Criteria (2015). Collection method: curation. Allele origin: germline.
Comment: Variant allele predicted to encode a truncated non-functional protein.

Labcorp Genetics (formerly Invitae), Labcorp
Classification: Pathogenic for Hereditary breast ovarian cancer syndrome. Last evaluated: 2025-01-30. Review status: criteria provided, single submitter. Criteria: Invitae Variant Classification Sherloc (09022015). Collection method: clinical testing. Allele origin: germline. Not counted in ClinVar's aggregate classification.
Comment: This sequence change creates a premature translational stop signal (p.Glu2081Argfs*4) in the BRCA2 gene. It is expected to result in an absent or disrupted protein product. Loss-of-function variants in BRCA2 are known to be pathogenic (PMID: 20104584). This variant is not present in population databases (gnomAD no frequency). This premature translational stop signal has been observed in individual(s) with breast and/or ovarian cancer (PMID: 31825140). This variant is also known as c.6239_6240insA. ClinVar contains an entry for this variant (Variation ID: 52041). For these reasons, this variant has been classified as Pathogenic.

GeneDx
Classification: Pathogenic. Last evaluated: 2018-03-23. Review status: criteria provided, single submitter. Criteria: GeneDx Variant Classification (06012015). Collection method: clinical testing. Allele origin: germline. Affected: yes. Not counted in ClinVar's aggregate classification.
Comment: This duplication of one nucleotide in BRCA2 is denoted c.6240dupA at the cDNA level and p.Glu2081ArgfsX4 (E2081RfsX4) at the protein level. The normal sequence, with the base that is duplicated in brackets, is TGTT[dupA]GAGG. The duplication causes a frameshift which changes a Glutamic Acid to an Arginine at codon 2081, and creates a premature stop codon at position 4 of the new reading frame. This variant is predicted to cause loss of normal protein function through either protein truncation or nonsense-mediated mRNA decay. BRCA2 c.6240dupA, also published as 6468insA using alternate nomenclature, has been reported in association with breast and ovarian cancer (Beetstra 2006, Kwong 2016). We consider this variant to be pathogenic.

Consortium of Investigators of Modifiers of BRCA1/2 (CIMBA), c/o University of Cambridge
Classification: Pathogenic for Breast-ovarian cancer, familial, susceptibility to, 2. Last evaluated: 2015-10-02. Review status: criteria provided, single submitter. Criteria: CIMBA Mutation Classification guidelines May 2016. Collection method: clinical testing. Allele origin: germline. Not counted in ClinVar's aggregate classification.

Breast Cancer Information Core (BIC) (BRCA2)
Classification: Pathogenic for Breast-ovarian cancer, familial 2. Last evaluated: 2002-05-29. Review status: no assertion criteria provided. Collection method: clinical testing. Allele origin: germline, unknown. Affected: yes. Observed: 3 variant alleles. Not counted in ClinVar's aggregate classification.

Literature cited by the submitters: PubMed 20104584 (cited by Labcorp Genetics (formerly Invitae), Labcorp); PubMed 31825140 (cited by Labcorp Genetics (formerly Invitae), Labcorp).

NM_000059.4(BRCA2):c.6240dup (p.Glu2081fs)

Gene: BRCA2 (BRCA2 DNA repair associated; plus strand). Cytogenetic location: 13q13.1.
Variant type: Duplication.
Coding change: c.6240dup on transcript NM_000059.4 (MANE Select); coding-DNA position 6240, one base duplicated (A; older notation c.6240dupA).
Protein change: p.Glu2081fs; shifts the reading frame from glutamic acid 2081.
Molecular consequence: frameshift variant.
Genome position (GRCh38, 1-based): chr13:32,340,595, A duplicated. VCF-style (leftmost placement, unchanged base first): chr13-32340594-T-TA. GRCh37 (hg19) VCF-style: chr13-32914731-T-TA.
Other names: 6468insA; 6468_6469insA; c.6240dupA (NM_000059.3); short protein forms E2081fs.
Identifiers: ClinVar variation 52041 (VCV000052041.8), dbSNP rs80359570, ClinGen allele CA023785.